The following is an entry in ClinVar:

NM_000435.3(NOTCH3):c.1377A>T (p.Ala459=)

Gene: NOTCH3 (notch receptor 3; minus strand). Cytogenetic location: 19p13.12.
Variant type: single nucleotide variant.
Coding change: c.1377A>T on transcript NM_000435.3 (MANE Select); coding-DNA position 1377, A replaced by T.
Protein change: p.Ala459=; no amino-acid change (alanine 459 retained).
Molecular consequence: synonymous variant.
Genome position (GRCh38, 1-based): chr19:15,188,990, T>A on the plus strand (A>T on the coding strand, the complement: NOTCH3 is on the minus strand). VCF-style: chr19-15188990-T-A. GRCh37 (hg19) VCF-style: chr19-15299801-T-A.
Identifiers: ClinVar variation 2507303 (VCV002507303.3), dbSNP rs957534159, ClinGen allele CA305775755.

ClinVar aggregate classification (germline): Uncertain significance. Review status: criteria provided, multiple submitters, no conflicts (2 of 4 stars). 2 submissions from 2 submitters: Uncertain significance (2). Last evaluated 2025-01-29.

Allele frequency attached by ClinVar (database versions not stated): TOPMed 0.00002.

Submissions (2):

Labcorp Genetics (formerly Invitae), Labcorp
Classification: Uncertain significance. Last evaluated: 2025-01-29. Review status: criteria provided, single submitter. Criteria: Invitae Variant Classification Sherloc (09022015). Collection method: clinical testing. Allele origin: germline.
Comment: This sequence change affects codon 459 of the NOTCH3 mRNA. It is a 'silent' change, meaning that it does not change the encoded amino acid sequence of the NOTCH3 protein. It affects a nucleotide within the consensus splice site. This variant is not present in population databases (gnomAD no frequency). This variant has not been reported in the literature in individuals affected with NOTCH3-related conditions. ClinVar contains an entry for this variant (Variation ID: 2507303). Algorithms developed to predict the effect of sequence changes on RNA splicing suggest that this variant may disrupt the consensus splice site. In summary, the available evidence is currently insufficient to determine the role of this variant in disease. Therefore, it has been classified as a Variant of Uncertain Significance.

GeneDx
Classification: Uncertain significance. Last evaluated: 2022-12-29. Review status: criteria provided, single submitter. Criteria: GeneDx Variant Classification Process June 2021. Collection method: clinical testing. Allele origin: germline. Affected: yes.
Comment: Not observed at significant frequency in large population cohorts (gnomAD); In silico analysis supports a deleterious effect on splicing; Has not been previously published as pathogenic or benign to our knowledge